The following is an entry in ClinVar:

NM_000297.4(PKD2):c.2106T>A (p.Asp702Glu)

Gene: PKD2 (polycystin 2, transient receptor potential cation channel; plus strand). Cytogenetic location: 4q22.1.
Variant type: single nucleotide variant.
Coding change: c.2106T>A on transcript NM_000297.4 (MANE Select); coding-DNA position 2106, T replaced by A.
Protein change: p.Asp702Glu; replaces aspartic acid 702 with glutamic acid.
Molecular consequence: missense variant. On other transcripts: non-coding transcript variant (1).
Genome position (GRCh38, 1-based): chr4:88,061,992, T>A. VCF-style: chr4-88061992-T-A. GRCh37 (hg19) VCF-style: chr4-88983144-T-A.
Other names: short protein forms D702E.
Identifiers: ClinVar variation 1407278 (VCV001407278.6), dbSNP rs1409281141, ClinGen allele CA357623819.

ClinVar aggregate classification (germline): Uncertain significance (1 of 4 stars; one submission).

Conditions:
Autosomal dominant polycystic kidney disease. Identifiers: Orphanet 730, MedGen C0085413, MONDO:0004691.

Allele frequency attached by ClinVar (database versions not stated): gnomAD exomes below 0.00001.
gnomAD v4.1: 1 of 1,515,364 alleles (0.000066%); highest among the groups gnomAD compares: Non-Finnish European, 0.000092%; no homozygotes.

Submission:

Labcorp Genetics (formerly Invitae), Labcorp
Classification: Uncertain significance for Autosomal dominant polycystic kidney disease. Last evaluated: 2023-12-09. Review status: criteria provided, single submitter. Criteria: Invitae Variant Classification Sherloc (09022015). Collection method: clinical testing. Allele origin: germline.
Comment: This sequence change replaces aspartic acid, which is acidic and polar, with glutamic acid, which is acidic and polar, at codon 702 of the PKD2 protein (p.Asp702Glu). This variant is present in population databases (no rsID available, gnomAD 0.0009%). This variant has not been reported in the literature in individuals affected with PKD2-related conditions. ClinVar contains an entry for this variant (Variation ID: 1407278). Advanced modeling of protein sequence and biophysical properties (such as structural, functional, and spatial information, amino acid conservation, physicochemical variation, residue mobility, and thermodynamic stability) performed at Invitae indicates that this missense variant is not expected to disrupt PKD2 protein function with a negative predictive value of 80%. In summary, the available evidence is currently insufficient to determine the role of this variant in disease. Therefore, it has been classified as a Variant of Uncertain Significance.